The following is an entry in ClinVar:

ClinVar aggregate classification (germline): Uncertain significance (1 of 4 stars; one submission).

Conditions:
Weiss-Kruszka syndrome. Also called: Metopic ridging-ptosis-facial dysmorphism syndrome. Identifiers: Orphanet 502430, MedGen C5568107, MONDO:0032836, OMIM 618619.

gnomAD v4.1: 6 of 1,614,200 alleles (0.00037%); highest among the groups gnomAD compares: South Asian, 0.0011%; no homozygotes.

Submission:

Laboratorio de Genetica e Diagnostico Molecular, Hospital Israelita Albert Einstein
Classification: Uncertain significance for Weiss-Kruszka syndrome. Last evaluated: 2023-08-12. Review status: criteria provided, single submitter. Criteria: ACMG Guidelines, 2015. Collection method: clinical testing. Allele origin: germline. Affected: yes.
Comment: ACMG classification criteria: PM2 supporting, BP4 supporting

NM_021224.6(ZNF462):c.5744A>G (p.Asn1915Ser)

Gene: ZNF462 (zinc finger protein 462; plus strand). Cytogenetic location: 9q31.2.
Variant type: single nucleotide variant.
Coding change: c.5744A>G on transcript NM_021224.6 (MANE Select); coding-DNA position 5744, A replaced by G.
Protein change: p.Asn1915Ser; replaces asparagine 1915 with serine.
Molecular consequence: missense variant. On other transcripts: intron variant (1).
Genome position (GRCh38, 1-based): chr9:106,929,656, A>G. VCF-style: chr9-106929656-A-G. GRCh37 (hg19) VCF-style: chr9-109691937-A-G.
Other names: c.3253-869A>G (NM_001347997.2); short protein forms N1915S.
Identifiers: ClinVar variation 4076360 (VCV004076360.1).